The following is an entry in ClinVar:

NM_001040108.2(MLH3):c.864G>C (p.Arg288Ser)

Gene: MLH3 (mutL homolog 3; minus strand). Cytogenetic location: 14q24.3.
Variant type: single nucleotide variant.
Coding change: c.864G>C on transcript NM_001040108.2 (MANE Select); coding-DNA position 864, G replaced by C.
Protein change: p.Arg288Ser; replaces arginine 288 with serine.
Molecular consequence: missense variant.
Genome position (GRCh38, 1-based): chr14:75,048,792, C>G on the plus strand (G>C on the coding strand, the complement: MLH3 is on the minus strand). VCF-style: chr14-75048792-C-G. GRCh37 (hg19) VCF-style: chr14-75515495-C-G.
Other names: c.864G>C, p.Arg288Ser (NM_014381.3); short protein forms R288S.
Identifiers: ClinVar variation 1764183 (VCV001764183.4), dbSNP rs552320092, ClinGen allele CA7275958.

ClinVar aggregate classification (germline): Uncertain significance. Review status: criteria provided, multiple submitters, no conflicts (2 of 4 stars). 2 submissions from 2 submitters: Uncertain significance (2). Last evaluated 2025-01-25.

Conditions:
Colorectal cancer, hereditary nonpolyposis, type 7. Identifiers: Orphanet 144, MedGen C1858380, MONDO:0013725, OMIM 614385.

Allele frequency attached by ClinVar (database versions not stated): gnomAD 0.00001; 1000 Genomes Project 0.00020; 1000 Genomes Project 30x 0.00031.
gnomAD v4.1: 2 of 1,614,074 alleles (0.00012%); highest among the groups gnomAD compares: Admixed American, 0.0033%; no homozygotes.

Submissions (2):

Labcorp Genetics (formerly Invitae), Labcorp
Classification: Uncertain significance for Colorectal cancer, hereditary nonpolyposis, type 7. Last evaluated: 2025-01-25. Review status: criteria provided, single submitter. Criteria: Invitae Variant Classification Sherloc (09022015). Collection method: clinical testing. Allele origin: germline.
Comment: This sequence change replaces arginine, which is basic and polar, with serine, which is neutral and polar, at codon 288 of the MLH3 protein (p.Arg288Ser). This variant is present in population databases (rs552320092, gnomAD 0.003%). This variant has not been reported in the literature in individuals affected with MLH3-related conditions. ClinVar contains an entry for this variant (Variation ID: 1764183). An algorithm developed to predict the effect of missense changes on protein structure and function (PolyPhen-2) suggests that this variant is likely to be tolerated. In summary, the available evidence is currently insufficient to determine the role of this variant in disease. Therefore, it has been classified as a Variant of Uncertain Significance.

Ambry Genetics
Classification: Uncertain significance. Last evaluated: 2021-12-06. Review status: criteria provided, single submitter. Criteria: Ambry Variant Classification Scheme 2023. Collection method: clinical testing. Allele origin: germline.
Comment: The p.R288S variant (also known as c.864G>C), located in coding exon 1 of the MLH3 gene, results from a G to C substitution at nucleotide position 864. The arginine at codon 288 is replaced by serine, an amino acid with dissimilar properties. This amino acid position is conserved. In addition, this alteration is predicted to be tolerated by in silico analysis. Since supporting evidence is limited at this time, the clinical significance of this alteration remains unclear.